The following is an entry in ClinVar:

NM_152416.4(NDUFAF6):c.298-211_298-210del

Gene: NDUFAF6 (NADH:ubiquinone oxidoreductase complex assembly factor 6; plus strand). Cytogenetic location: 8q22.1.
Variant type: Deletion.
Coding change: c.298-211_298-210del on transcript NM_152416.4 (MANE Select); 211 bases into the intron before coding-DNA position 298 through 210 bases into the intron before coding-DNA position 298, 2 bases deleted (TT; older notation c.298-211_298-210delTT).
Molecular consequence: intron variant.
Genome position (GRCh38, 1-based): chr8:95,035,243-95,035,244, TT deleted. VCF-style (leftmost placement, unchanged base first): chr8-95035242-CTT-C. GRCh37 (hg19) VCF-style: chr8-96047470-CTT-C.
Other names: c.-36-211_-36-210del (NM_001354534.2, NM_001354518.2, NM_001354519.2 and 1 more transcripts); c.22-211_22-210del (NM_001354514.2, NM_001354515.2, NM_001330582.2 and 1 more transcripts); c.-352-211_-352-210del (NM_001354525.2, NM_001354524.2, NM_001354528.2 and 1 more transcripts); c.-283-211_-283-210del (NM_001354522.2, NM_001354532.2, NM_001354530.2 and 1 more transcripts); c.142-211_142-210del (NM_001354516.2); c.-381-211_-381-210del (NM_001354527.2, NM_001354531.2).
Identifiers: ClinVar variation 671643 (VCV000671643.1), dbSNP rs145356418, ClinGen allele CA181472565.

ClinVar aggregate classification (germline): Benign (1 of 4 stars; one submission).

Allele frequency attached by ClinVar (database versions not stated): 1000 Genomes Project 0.09605; 1000 Genomes Project 30x 0.09635; TOPMed 0.11615; gnomAD 0.12251 and 0.12253.

Submission:

GeneDx
Classification: Benign. Last evaluated: 2018-06-14. Review status: criteria provided, single submitter. Criteria: GeneDx Variant Classification (06012015). Collection method: clinical testing. Allele origin: germline. Affected: yes.
Comment: This variant is considered likely benign or benign based on one or more of the following criteria: it is a conservative change, it occurs at a poorly conserved position in the protein, it is predicted to be benign by multiple in silico algorithms, and/or has population frequency not consistent with disease.